The following is an entry in ClinVar:

ClinVar aggregate classification (germline): Likely benign (0 of 4 stars; one submission).

Conditions:
PLXNA3-related disorder. Also called: PLXNA3-related condition.

Allele frequency attached by ClinVar (database versions not stated): gnomAD exomes below 0.00001; ExAC 0.00001.
gnomAD v4.1: 3 of 1,210,973 alleles (0.00025%); highest among the groups gnomAD compares: Admixed American, 0.0065%; no homozygotes.

Submission:

PreventionGenetics, part of Exact Sciences
Classification: Likely benign for PLXNA3-related condition. Last evaluated: 2023-01-31. Review status: no assertion criteria provided. Collection method: clinical testing. Allele origin: germline.
Comment: This variant is classified as likely benign based on ACMG/AMP sequence variant interpretation guidelines (Richards et al. 2015 PMID: 25741868, with internal and published modifications).

NM_017514.5(PLXNA3):c.2598C>T (p.Gly866=)

Gene: PLXNA3 (plexin A3; plus strand). Cytogenetic location: Xq28.
Variant type: single nucleotide variant.
Coding change: c.2598C>T on transcript NM_017514.5 (MANE Select); coding-DNA position 2598, C replaced by T.
Protein change: p.Gly866=; no amino-acid change (glycine 866 retained).
Molecular consequence: synonymous variant.
Genome position (GRCh38, 1-based): chrX:154,466,000, C>T. VCF-style: chrX-154466000-C-T. GRCh37 (hg19) VCF-style: chrX-153694343-C-T.
Identifiers: ClinVar variation 3032536 (VCV003032536.2), dbSNP rs782311072, ClinGen allele CA10564418.